The following is an entry in ClinVar:

ClinVar aggregate classification (germline): Uncertain significance (1 of 4 stars; one submission).

Conditions:
Hereditary spastic paraplegia 7 (SPG7). Also called: Spastic paraplegia 7; SPASTIC PARAPLEGIA 7, AUTOSOMAL RECESSIVE, WITH OR WITHOUT CEREBELLAR ATAXIA; SPG7-related neurologic disorder; Hereditary spastic paraplegia Paraplegin type; Autosomal recessive spastic paraplegia type 7. Identifiers: Orphanet 99013, MedGen C1846564, MONDO:0011803, OMIM 607259.

Allele frequency attached by ClinVar (database versions not stated): gnomAD exomes below 0.00001.
gnomAD v4.1: 2 of 1,612,418 alleles (0.00012%); highest among the groups gnomAD compares: Non-Finnish European, 0.00017%; no homozygotes.

Submission:

MGZ Medical Genetics Center
Classification: Uncertain significance for Hereditary spastic paraplegia 7. Last evaluated: 2022-01-04. Review status: criteria provided, single submitter. Criteria: ACMG Guidelines, 2015. Collection method: clinical testing. Allele origin: germline. Affected: yes. Observed: 1 variant allele.
Comment: ACMG criteria applied: PM2_SUP, BP4

NM_003119.4(SPG7):c.2350C>T (p.Pro784Ser)

Gene: SPG7 (SPG7 matrix AAA peptidase subunit, paraplegin; plus strand). Cytogenetic location: 16q24.3.
Variant type: single nucleotide variant.
Coding change: c.2350C>T on transcript NM_003119.4 (MANE Select); coding-DNA position 2350, C replaced by T.
Protein change: p.Pro784Ser; replaces proline 784 with serine.
Molecular consequence: missense variant. On other transcripts: 3 prime UTR variant (1).
Genome position (GRCh38, 1-based): chr16:89,557,055, C>T. VCF-style: chr16-89557055-C-T. GRCh37 (hg19) VCF-style: chr16-89623463-C-T.
Other names: c.*128C>T (NM_001363850.1); short protein forms P784S.
Identifiers: ClinVar variation 1709345 (VCV001709345.2), dbSNP rs2543859957, ClinGen allele CA397418049.